The following is an entry in ClinVar:

NM_001379081.2(FREM1):c.2891_2892del (p.Thr964fs)

Genes: FREM1 (FRAS1 related extracellular matrix 1; minus strand), LOC126860582 (P300/CBP strongly-dependent group 1 enhancer GRCh37_chr9:14812530-14813729; plus strand). Cytogenetic location: 9p22.3.
Variant type: Microsatellite.
Coding change: c.2891_2892del on transcript NM_001379081.2 (MANE Select); coding-DNA positions 2891 to 2892, 2 bases deleted (CA; older notation c.2891_2892delCA).
Protein change: p.Thr964fs; shifts the reading frame from threonine 964.
Molecular consequence: frameshift variant. On other transcripts: non-coding transcript variant (2).
Genome position (GRCh38, 1-based): chr9:14,812,813-14,812,814, TG deleted on the plus strand (CA on the coding strand, the reverse complement: FREM1 is on the minus strand); deleting any 2 consecutive bases within chr9:14,812,813-14,812,819 gives the same sequence; the c. name uses the placement nearest the transcript's 3' end. VCF-style (leftmost placement, unchanged base first): chr9-14812812-CTG-C. GRCh37 (hg19) VCF-style: chr9-14812810-CTG-C.
Other names: c.2891_2892del, p.Thr964fs (NM_144966.7); short protein forms T964fs.
Identifiers: ClinVar variation 4700204 (VCV004700204.1), dbSNP rs777983437.

ClinVar aggregate classification (germline): Pathogenic (1 of 4 stars; one submission).

Submission:

Labcorp Genetics (formerly Invitae), Labcorp
Classification: Pathogenic. Last evaluated: 2025-07-07. Review status: criteria provided, single submitter. Criteria: Invitae Variant Classification Sherloc (09022015). Collection method: clinical testing. Allele origin: germline.
Comment: This sequence change creates a premature translational stop signal (p.Thr964Argfs*11) in the FREM1 gene. It is expected to result in an absent or disrupted protein product. Loss-of-function variants in FREM1 are known to be pathogenic (PMID: 19732862, 21507892). This variant is present in population databases (rs777983437, gnomAD 0.0009%). This variant has not been reported in the literature in individuals affected with FREM1-related conditions. For these reasons, this variant has been classified as Pathogenic.

Literature cited by the submitters: PubMed 19732862; PubMed 21507892.